The following is an entry in ClinVar:

NM_031206.7(LAS1L):c.956+961C>T

Gene: LAS1L (LAS1 like ribosome biogenesis factor; minus strand). Cytogenetic location: Xq12.
Variant type: single nucleotide variant.
Coding change: c.956+961C>T on transcript NM_031206.7 (MANE Select); 961 bases into the intron after coding-DNA position 956, C replaced by T.
Molecular consequence: intron variant.
Genome position (GRCh38, 1-based): chrX:65,527,299, G>A on the plus strand (C>T on the coding strand, the complement: LAS1L is on the minus strand). VCF-style: chrX-65527299-G-A. GRCh37 (hg19) VCF-style: chrX-64747179-G-A.
Other names: c.956+961C>T (NM_001375330.1, NM_001375334.1, NM_001375335.1 and 8 more transcripts); c.830+961C>T (NM_001170650.2); c.50+1913C>T (NM_001375332.1).
Identifiers: ClinVar variation 3389459 (VCV003389459.14).
Genomic context (GRCh38, chrX:65,527,299, plus strand): 5'-AAAAAAAAAAGACCAGGCCGGCTGCAGTGGCTTATACCTGTGATCCCAGCACTTTGGGAG[G>A]CCAAGGCAGGACAATCTCTTGAATCCCAAAACTTGAAACCAGCCTGGGCAACATGGTGAG-3'

ClinVar aggregate classification (germline): Likely benign (1 of 4 stars; one submission).

gnomAD v4.1: 47 of 105,443 alleles (0.045%); highest among the groups gnomAD compares: Non-Finnish European, 0.077%; no homozygotes.

Submission:

CeGaT Center for Human Genetics Tuebingen
Classification: Likely benign. Last evaluated: 2025-08-01. Review status: criteria provided, single submitter. Criteria: CeGaT Center For Human Genetics Tuebingen Variant Classification Criteria Version 2. Collection method: clinical testing. Allele origin: germline. Affected: yes. Observed: 3 variant alleles.
Comment: LAS1L: BP4, BP7, BS2